The following is an entry in ClinVar:

NM_001378454.1(ALMS1):c.1339-16A>T

Gene: ALMS1 (ALMS1 centrosome and basal body associated protein; plus strand). Cytogenetic location: 2p13.1.
Variant type: single nucleotide variant.
Coding change: c.1339-16A>T on transcript NM_001378454.1 (MANE Select); 16 bases into the intron before coding-DNA position 1339, A replaced by T.
Molecular consequence: intron variant.
Genome position (GRCh38, 1-based): chr2:73,432,182, A>T. VCF-style: chr2-73432182-A-T. GRCh37 (hg19) VCF-style: chr2-73659310-A-T.
Other names: c.1339-16A>T (NM_015120.4).
Identifiers: ClinVar variation 2001916 (VCV002001916.4), dbSNP rs750585442, ClinGen allele CA2580067871.
Genomic context (GRCh38, chr2:73,432,182, plus strand): 5'-TTCGTAGGTGGGTCATTCTAATCTGGGCATTAATGAGTCTTTTTCATTTTTATTGCCTTC[A>T]TTTGTTCCACATAAGCCAACAAGAGAGTCGGAATATCACTCTTCAGATCTCAGAATGTTG-3'

ClinVar aggregate classification (germline): Uncertain significance (1 of 4 stars; one submission).

Conditions:
Alstrom syndrome (ALMS). Identifiers: Orphanet 64, MedGen C0268425, MONDO:0008763, OMIM 203800.

gnomAD v4.1: 1 of 1,595,784 alleles (0.000063%); highest among the groups gnomAD compares: Non-Finnish European, 0.000086%; no homozygotes.

Submission:

Labcorp Genetics (formerly Invitae), Labcorp
Classification: Uncertain significance for Alstrom syndrome. Last evaluated: 2022-06-02. Review status: criteria provided, single submitter. Criteria: Invitae Variant Classification Sherloc (09022015). Collection method: clinical testing. Allele origin: germline.
Comment: This sequence change falls in intron 6 of the ALMS1 gene. It does not directly change the encoded amino acid sequence of the ALMS1 protein. This variant is not present in population databases (gnomAD no frequency). This variant has not been reported in the literature in individuals affected with ALMS1-related conditions. Algorithms developed to predict the effect of sequence changes on RNA splicing suggest that this variant may disrupt the consensus splice site. In summary, the available evidence is currently insufficient to determine the role of this variant in disease. Therefore, it has been classified as a Variant of Uncertain Significance.